The following is an entry in ClinVar:

ClinVar aggregate classification (germline): Uncertain significance (1 of 4 stars; one submission).

Conditions:
Catecholaminergic polymorphic ventricular tachycardia 1. Also called: VENTRICULAR TACHYCARDIA, STRESS-INDUCED POLYMORPHIC 1; VENTRICULAR TACHYCARDIA, CATECHOLAMINERGIC POLYMORPHIC, 1, WITH OR WITHOUT ATRIAL DYSFUNCTION AND/OR DILATED CARDIOMYOPATHY; RYR2-Related Catecholaminergic Polymorphic Ventricular Tachycardia. Identifiers: Orphanet 3286, MedGen C1631597, MONDO:0011484, OMIM 604772.

Submission:

Labcorp Genetics (formerly Invitae), Labcorp
Classification: Uncertain significance for Catecholaminergic polymorphic ventricular tachycardia 1. Last evaluated: 2025-05-18. Review status: criteria provided, single submitter. Criteria: Invitae Variant Classification Sherloc (09022015). Collection method: clinical testing. Allele origin: germline.
Comment: This sequence change replaces glutamic acid, which is acidic and polar, with aspartic acid, which is acidic and polar, at codon 3715 of the RYR2 protein (p.Glu3715Asp). This variant is not present in population databases (gnomAD no frequency). This variant has not been reported in the literature in individuals affected with RYR2-related conditions. ClinVar contains an entry for this variant (Variation ID: 1053094). Invitae Evidence Modeling of protein sequence and biophysical properties (such as structural, functional, and spatial information, amino acid conservation, physicochemical variation, residue mobility, and thermodynamic stability) has been performed for this missense variant. However, the output from this modeling did not meet the statistical confidence thresholds required to predict the impact of this variant on RYR2 protein function. In summary, the available evidence is currently insufficient to determine the role of this variant in disease. Therefore, it has been classified as a Variant of Uncertain Significance.

NM_001035.3(RYR2):c.11145A>C (p.Glu3715Asp)

Gene: RYR2 (ryanodine receptor 2; plus strand). Cytogenetic location: 1q43.
Variant type: single nucleotide variant.
Coding change: c.11145A>C on transcript NM_001035.3 (MANE Select); coding-DNA position 11145, A replaced by C.
Protein change: p.Glu3715Asp; replaces glutamic acid 3715 with aspartic acid.
Molecular consequence: missense variant.
Genome position (GRCh38, 1-based): chr1:237,742,349, A>C. VCF-style: chr1-237742349-A-C. GRCh37 (hg19) VCF-style: chr1-237905649-A-C.
Other names: short protein forms E3715D.
Identifiers: ClinVar variation 1053094 (VCV001053094.46), dbSNP rs2149211578, ClinGen allele CA345422309.